The following is an entry in ClinVar:

ClinVar aggregate classification (germline): Uncertain significance (1 of 4 stars; one submission).

Submission:

GeneDx
Classification: Uncertain significance. Last evaluated: 2023-12-06. Review status: criteria provided, single submitter. Criteria: GeneDx Variant Classification Process June 2021. Collection method: clinical testing. Allele origin: germline. Affected: yes.
Comment: Has not been previously published as pathogenic or benign to our knowledge; Not observed at significant frequency in large population cohorts (gnomAD); In silico analysis supports that this missense variant does not alter protein structure/function

NM_005159.5(ACTC1):c.259A>G (p.Ile87Val)

Genes: ACTC1 (actin alpha cardiac muscle 1; minus strand), GJD2-DT (GJD2 divergent transcript; plus strand). Cytogenetic location: 15q14.
Variant type: single nucleotide variant.
Coding change: c.259A>G on transcript NM_005159.5 (MANE Select); coding-DNA position 259, A replaced by G.
Protein change: p.Ile87Val; replaces isoleucine 87 with valine.
Molecular consequence: missense variant. On other transcripts: 5 prime UTR variant (1).
Genome position (GRCh38, 1-based): chr15:34,793,440, T>C on the plus strand (A>G on the coding strand, the complement: ACTC1 is on the minus strand). VCF-style: chr15-34793440-T-C. GRCh37 (hg19) VCF-style: chr15-35085641-T-C.
Other names: c.259A>G, p.Ile87Val (NM_001406482.1, NM_001406483.1); c.124A>G, p.Ile42Val (NM_001406484.1); c.-130A>G (NM_001406485.1); short protein forms I42V, I87V.
Identifiers: ClinVar variation 3252322 (VCV003252322.1), dbSNP rs1891749269.